The following is an entry in ClinVar:

ClinVar aggregate classification (germline): Uncertain significance. Review status: criteria provided, single submitter (1 of 4 stars). 3 submissions from 3 submitters: Uncertain significance (1). 2 of the submissions do not count toward it. Last evaluated 2024-02-27.

Conditions:
Prostate cancer. Also called: Malignant tumor of prostate. Identifiers: Orphanet 1331, MedGen C0376358, MONDO:0008315, HP:0012125.
Aplastic anemia. Identifiers: Orphanet 182040, Orphanet 88, MedGen C0002874, MONDO:0015909, OMIM 609135, HP:0001915.
Microcephaly, normal intelligence and immunodeficiency (NBS). Also called: IMMUNODEFICIENCY, MICROCEPHALY, AND CHROMOSOMAL INSTABILITY; SEEMANOVA SYNDROME II; Ataxia telangiectasia variant V1; Nijmegen breakage syndrome; Microcephaly with normal intelligence immunodeficiency and lymphoreticular malignancies; Nonsyndromal microcephaly autosomal recessive with normal intelligence. Identifiers: Orphanet 647, MedGen C0398791, MONDO:0009623, OMIM 251260.

Allele frequency attached by ClinVar (database versions not stated): gnomAD exomes below 0.00001.

Submissions (3):

Baylor Genetics
Classification: Uncertain significance for Aplastic anemia. Last evaluated: 2024-02-27. Review status: criteria provided, single submitter. Criteria: ACMG Guidelines, 2015. Collection method: clinical testing. Allele origin: unknown.

Counsyl
Classification: Uncertain significance for Microcephaly, normal intelligence and immunodeficiency. Last evaluated: 2017-06-05. Review status: no assertion criteria provided. Collection method: clinical testing. Allele origin: unknown. Not counted in ClinVar's aggregate classification.

Science for Life laboratory,  Karolinska Institutet
Classification: Uncertain significance for Malignant tumor of prostate. Review status: no assertion criteria provided. Collection method: not provided. Allele origin: somatic. Not counted in ClinVar's aggregate classification.
Comment: TumorID:SWE-7
ClinVar note: Converted during submission from Unknown to Uncertain significance.

NM_002485.5(NBN):c.244A>G (p.Lys82Glu)

Gene: NBN (nibrin; minus strand). Cytogenetic location: 8q21.3.
Variant type: single nucleotide variant.
Coding change: c.244A>G on transcript NM_002485.5 (MANE Select); coding-DNA position 244, A replaced by G.
Protein change: p.Lys82Glu; replaces lysine 82 with glutamic acid.
Molecular consequence: missense variant. On other transcripts: 5 prime UTR variant (1).
Genome position (GRCh38, 1-based): chr8:89,981,451, T>C on the plus strand (A>G on the coding strand, the complement: NBN is on the minus strand). VCF-style: chr8-89981451-T-C. GRCh37 (hg19) VCF-style: chr8-90993679-T-C.
Other names: c.-3A>G (NM_001024688.3); short protein forms K82E.
Identifiers: ClinVar variation 161598 (VCV000161598.4), dbSNP rs193921030, ClinGen allele CA174421.